The following is an entry in ClinVar:

NM_014141.6(CNTNAP2):c.3902C>T (p.Ala1301Val)

Gene: CNTNAP2 (contactin associated protein 2; plus strand). Cytogenetic location: 7q36.1.
Variant type: single nucleotide variant.
Coding change: c.3902C>T on transcript NM_014141.6 (MANE Select); coding-DNA position 3902, C replaced by T.
Protein change: p.Ala1301Val; replaces alanine 1301 with valine.
Molecular consequence: missense variant.
Genome position (GRCh38, 1-based): chr7:148,415,522, C>T. VCF-style: chr7-148415522-C-T. GRCh37 (hg19) VCF-style: chr7-148112614-C-T.
Other names: short protein forms A1301V.
Identifiers: ClinVar variation 497544 (VCV000497544.11), dbSNP rs776987592, ClinGen allele CA4546835.
Genomic context (GRCh38, chr7:148,415,522, plus strand): 5'-TCCTGATCCGGTACATGTTCCGCCACAAGGGCACCTACCATACCAACGAAGCAAAGGGGG[C>T]GGAGTCGGCAGAGAGCGCGGACGCCGCCATCATGAACAACGACCCCAACTTCACAGAGAC-3'
Protein context (NP_054860.1, residues 1291-1311): GTYHTNEAKG[Ala1301Val]ESAESADAAI

ClinVar aggregate classification (germline): Uncertain significance. Review status: criteria provided, multiple submitters, no conflicts (2 of 4 stars). 3 submissions from 3 submitters: Uncertain significance (3). Last evaluated 2026-10-01.

Conditions:
Cortical dysplasia-focal epilepsy syndrome (PTHSL1). Also called: Pitt-Hopkins-like syndrome 1. Identifiers: Orphanet 163681, Orphanet 221150, MedGen C2750246, MONDO:0012400, OMIM 610042.

Allele frequency attached by ClinVar (database versions not stated): gnomAD 0.00001; TOPMed 0.00002.
gnomAD v4.1: 37 of 1,614,088 alleles (0.0023%); highest among the groups gnomAD compares: Middle Eastern, 0.016%; no homozygotes.

Submissions (3):

GeneDx
Classification: Uncertain significance. Last evaluated: 2026-10-01. Review status: criteria provided, single submitter. Criteria: GeneDx Variant Classification Process June 2021. Collection method: clinical testing. Allele origin: germline.
Comment: Not observed at significant frequency in large population cohorts (gnomAD); In silico analysis suggests that this missense variant does not alter protein structure/function; Has not been previously published as pathogenic or benign to our knowledge

Labcorp Genetics (formerly Invitae), Labcorp
Classification: Uncertain significance for Cortical dysplasia-focal epilepsy syndrome. Last evaluated: 2025-11-17. Review status: criteria provided, single submitter. Criteria: Invitae Variant Classification Sherloc (09022015). Collection method: clinical testing. Allele origin: germline.
Comment: This sequence change replaces alanine, which is neutral and non-polar, with valine, which is neutral and non-polar, at codon 1301 of the CNTNAP2 protein (p.Ala1301Val). This variant is present in population databases (rs776987592, gnomAD 0.003%). This variant has not been reported in the literature in individuals affected with CNTNAP2-related conditions. ClinVar contains an entry for this variant (Variation ID: 497544). An algorithm developed to predict the effect of missense changes on protein structure and function (PolyPhen-2) suggests that this variant is likely to be tolerated. In summary, the available evidence is currently insufficient to determine the role of this variant in disease. Therefore, it has been classified as a Variant of Uncertain Significance.

Eurofins Ntd Llc (ga)
Classification: Uncertain significance. Last evaluated: 2016-10-25. Review status: criteria provided, single submitter. Criteria: EGL Classification Definitions 2015. Collection method: clinical testing. Allele origin: germline. Observed: 1 variant allele, 1 heterozygote.